The following is an entry in ClinVar:

ClinVar aggregate classification (germline): Uncertain significance (1 of 4 stars; one submission).

Allele frequency attached by ClinVar (database versions not stated): gnomAD exomes 0.00001.
gnomAD v4.1: 9 of 1,608,190 alleles (0.00056%); highest among the groups gnomAD compares: Non-Finnish European, 0.00068%; no homozygotes.

Submission:

Labcorp Genetics (formerly Invitae), Labcorp
Classification: Uncertain significance. Last evaluated: 2023-09-13. Review status: criteria provided, single submitter. Criteria: Invitae Variant Classification Sherloc (09022015). Collection method: clinical testing. Allele origin: germline.
Comment: This sequence change replaces isoleucine, which is neutral and non-polar, with valine, which is neutral and non-polar, at codon 474 of the DDX58 protein (p.Ile474Val). This variant is not present in population databases (gnomAD no frequency). This variant has not been reported in the literature in individuals affected with DDX58-related conditions. Advanced modeling of protein sequence and biophysical properties (such as structural, functional, and spatial information, amino acid conservation, physicochemical variation, residue mobility, and thermodynamic stability) performed at Invitae indicates that this missense variant is not expected to disrupt DDX58 protein function. In summary, the available evidence is currently insufficient to determine the role of this variant in disease. Therefore, it has been classified as a Variant of Uncertain Significance.

NM_014314.4(RIGI):c.1420A>G (p.Ile474Val)

Gene: RIGI (RNA sensor RIG-I; minus strand). Cytogenetic location: 9p21.1.
Variant type: single nucleotide variant.
Coding change: c.1420A>G on transcript NM_014314.4 (MANE Select); coding-DNA position 1420, A replaced by G.
Protein change: p.Ile474Val; replaces isoleucine 474 with valine.
Molecular consequence: missense variant.
Genome position (GRCh38, 1-based): chr9:32,485,235, T>C on the plus strand (A>G on the coding strand, the complement: RIGI is on the minus strand). VCF-style: chr9-32485235-T-C. GRCh37 (hg19) VCF-style: chr9-32485233-T-C.
Other names: c.1414A>G, p.Ile472Val (NM_001385907.1); c.1420A>G, p.Ile474Val (NM_001385909.1); c.979A>G, p.Ile327Val (NM_001385910.1); c.811A>G, p.Ile271Val (NM_001385912.1); c.1405A>G, p.Ile469Val (NM_001385913.1); c.976A>G, p.Ile326Val (NM_001385914.1); short protein forms I472V, I271V, I326V, I327V, I469V, I474V.
Identifiers: ClinVar variation 3021283 (VCV003021283.3), dbSNP rs2489326138, ClinGen allele CA373154743.